The following is an entry in ClinVar:

ClinVar aggregate classification (germline): Uncertain significance (1 of 4 stars; one submission).

Allele frequency attached by ClinVar (database versions not stated): gnomAD exomes below 0.00001; gnomAD 0.00001; TOPMed 0.00001.

Submission:

Labcorp Genetics (formerly Invitae), Labcorp
Classification: Uncertain significance. Last evaluated: 2022-05-30. Review status: criteria provided, single submitter. Criteria: Invitae Variant Classification Sherloc (09022015). Collection method: clinical testing. Allele origin: germline.
Comment: This sequence change replaces histidine, which is basic and polar, with arginine, which is basic and polar, at codon 212 of the TRAF3IP1 protein (p.His212Arg). This variant is present in population databases (no rsID available, gnomAD 0.007%). This variant has not been reported in the literature in individuals affected with TRAF3IP1-related conditions. Algorithms developed to predict the effect of missense changes on protein structure and function are either unavailable or do not agree on the potential impact of this missense change (SIFT: "Tolerated"; PolyPhen-2: "Possibly Damaging"; Align-GVGD: "Class C0"). In summary, the available evidence is currently insufficient to determine the role of this variant in disease. Therefore, it has been classified as a Variant of Uncertain Significance.

NM_015650.4(TRAF3IP1):c.635A>G (p.His212Arg)

Gene: TRAF3IP1 (TRAF3 interacting protein 1; plus strand). Cytogenetic location: 2q37.3.
Variant type: single nucleotide variant.
Coding change: c.635A>G on transcript NM_015650.4 (MANE Select); coding-DNA position 635, A replaced by G.
Protein change: p.His212Arg; replaces histidine 212 with arginine.
Molecular consequence: missense variant.
Genome position (GRCh38, 1-based): chr2:238,329,062, A>G. VCF-style: chr2-238329062-A-G. GRCh37 (hg19) VCF-style: chr2-239237703-A-G.
Other names: c.635A>G, p.His212Arg (NM_001139490.1); short protein forms H212R.
Identifiers: ClinVar variation 2001025 (VCV002001025.4), dbSNP rs1346903519, ClinGen allele CA351244887.